The following is an entry in ClinVar:

ClinVar aggregate classification (germline): Uncertain significance. Review status: reviewed by expert panel (3 of 4 stars). 3 submissions from 3 submitters: Uncertain significance (1). 2 of the submissions do not count toward it. Last evaluated 2024-09-25.

Conditions:
Inborn genetic diseases. Identifiers: MedGen C0950123, MeSH D030342.
Hereditary thrombocytopenia and hematologic cancer predisposition syndrome. Identifiers: Orphanet 71290, MedGen CN281654, MONDO:0011071.
Hereditary thrombocytopenia and hematological cancer predisposition syndrome associated with RUNX1. Also called: Familial Platelet Disorder with Propensity to Acute Myelogenous Leukemia; Familial thrombocytopenia with propensity to acute myelogenous leukemia; RUNX1 Familial Platelet Disorder with Associated Myeloid Malignancies; PLATELET DISORDER, ASPIRIN-LIKE. Identifiers: Orphanet 71290, MedGen C1832388, MeSH C563324, MONDO:0100083, OMIM 601399.

Allele frequency attached by ClinVar (database versions not stated): gnomAD exomes below 0.00001; gnomAD 0.00001; TOPMed 0.00001.
gnomAD v4.1: 2 of 1,592,950 alleles (0.00013%); highest among the groups gnomAD compares: Non-Finnish European, 0.00017%; no homozygotes.

Submissions (3):

ClinGen Myeloid Malignancy Variant Curation Expert Panel
Classification: Uncertain significance for Hereditary thrombocytopenia and hematologic cancer predisposition syndrome. Last evaluated: 2024-09-25. Review status: reviewed by expert panel. Criteria: ClinGen MyeloMalig ACMG Specifications v2. Collection method: curation. Allele origin: germline. Inheritance: Autosomal dominant inheritance.
Comment: NM_001754.5(RUNX1):c.980T>G (p.Leu327Arg) is a missense variant which does not meet any ACMG/AMP criteria. In summary, the clinical significance of this variant is uncertain. ACMG/AMP criteria applied, as specified by the Myeloid Malignancy Variant Curation Expert Panel for RUNX1: None.

Ambry Genetics
Classification: Uncertain significance for Inborn genetic diseases. Last evaluated: 2024-11-18. Review status: criteria provided, single submitter. Criteria: Ambry Variant Classification Scheme 2023. Collection method: clinical testing. Allele origin: germline. Not counted in ClinVar's aggregate classification.
Comment: The p.L327R variant (also known as c.980T>G), located in coding exon 8 of the RUNX1 gene, results from a T to G substitution at nucleotide position 980. The leucine at codon 327 is replaced by arginine, an amino acid with dissimilar properties. This amino acid position is conserved. In addition, this alteration is predicted to be deleterious by in silico analysis. Based on the available evidence, the clinical significance of this variant remains unclear.

Labcorp Genetics (formerly Invitae), Labcorp
Classification: Uncertain significance for Hereditary thrombocytopenia and hematological cancer predisposition syndrome associated with RUNX1. Last evaluated: 2024-11-08. Review status: criteria provided, single submitter. Criteria: Invitae Variant Classification Sherloc (09022015). Collection method: clinical testing. Allele origin: germline. Not counted in ClinVar's aggregate classification.
Comment: This sequence change replaces leucine, which is neutral and non-polar, with arginine, which is basic and polar, at codon 327 of the RUNX1 protein (p.Leu327Arg). This variant is present in population databases (no rsID available, gnomAD 0.001%). This variant has not been reported in the literature in individuals affected with RUNX1-related conditions. ClinVar contains an entry for this variant (Variation ID: 532654). Invitae Evidence Modeling of protein sequence and biophysical properties (such as structural, functional, and spatial information, amino acid conservation, physicochemical variation, residue mobility, and thermodynamic stability) has been performed for this missense variant. However, the output from this modeling did not meet the statistical confidence thresholds required to predict the impact of this variant on RUNX1 protein function. In summary, the available evidence is currently insufficient to determine the role of this variant in disease. Therefore, it has been classified as a Variant of Uncertain Significance.

NM_001754.5(RUNX1):c.980T>G (p.Leu327Arg)

Gene: RUNX1 (RUNX family transcription factor 1; minus strand). Cytogenetic location: 21q22.12.
Variant type: single nucleotide variant.
Coding change: c.980T>G on transcript NM_001754.5 (MANE Select); coding-DNA position 980, T replaced by G.
Protein change: p.Leu327Arg; replaces leucine 327 with arginine.
Molecular consequence: missense variant.
Genome position (GRCh38, 1-based): chr21:34,792,598, A>C on the plus strand (T>G on the coding strand, the complement: RUNX1 is on the minus strand). VCF-style: chr21-34792598-A-C. GRCh37 (hg19) VCF-style: chr21-36164895-A-C.
Other names: NM_001754.5(RUNX1):c.980T>G; p.Leu327Arg; c.899T>G, p.Leu300Arg (NM_001001890.3); short protein forms L327R, L300R.
Identifiers: ClinVar variation 532654 (VCV000532654.13), dbSNP rs915447247, ClinGen allele CA320251669.